The following is an entry in ClinVar:

NM_015404.4(WHRN):c.2207A>G (p.Asn736Ser)

Gene: WHRN (whirlin; minus strand). Cytogenetic location: 9q32.
Variant type: single nucleotide variant.
Coding change: c.2207A>G on transcript NM_015404.4 (MANE Select); coding-DNA position 2207, A replaced by G.
Protein change: p.Asn736Ser; replaces asparagine 736 with serine.
Molecular consequence: missense variant.
Genome position (GRCh38, 1-based): chr9:114,406,384, T>C on the plus strand (A>G on the coding strand, the complement: WHRN is on the minus strand). VCF-style: chr9-114406384-T-C. GRCh37 (hg19) VCF-style: chr9-117168664-T-C.
Other names: c.1058A>G, p.Asn353Ser (NM_001083885.3); c.2207A>G, p.Asn736Ser (NM_001173425.2); c.1154A>G, p.Asn385Ser (NM_001346890.1); short protein forms N353S, N385S, N736S.
Identifiers: ClinVar variation 1016823 (VCV001016823.8), dbSNP rs1418671868, ClinGen allele CA374620073.

ClinVar aggregate classification (germline): Uncertain significance. Review status: criteria provided, multiple submitters, no conflicts (2 of 4 stars). 2 submissions from 2 submitters: Uncertain significance (2). Last evaluated 2024-11-05.

Allele frequency attached by ClinVar (database versions not stated): gnomAD 0.00001; TOPMed 0.00002.
gnomAD v4.1: 5 of 1,614,032 alleles (0.00031%); highest among the groups gnomAD compares: South Asian, 0.0011%; no homozygotes.

Submissions (2):

Labcorp Genetics (formerly Invitae), Labcorp
Classification: Uncertain significance. Last evaluated: 2024-11-05. Review status: criteria provided, single submitter. Criteria: Invitae Variant Classification Sherloc (09022015). Collection method: clinical testing. Allele origin: germline.
Comment: This sequence change replaces asparagine, which is neutral and polar, with serine, which is neutral and polar, at codon 736 of the WHRN protein (p.Asn736Ser). This variant is not present in population databases (gnomAD no frequency). This variant has not been reported in the literature in individuals affected with WHRN-related conditions. ClinVar contains an entry for this variant (Variation ID: 1016823). An algorithm developed to predict the effect of missense changes on protein structure and function (PolyPhen-2) suggests that this variant¬†is likely to be tolerated. In summary, the available evidence is currently insufficient to determine the role of this variant in disease. Therefore, it has been classified as a Variant of Uncertain Significance.

Blueprint Genetics
Classification: Uncertain significance. Last evaluated: 2023-10-06. Review status: criteria provided, single submitter. Criteria: ACMG Guidelines, 2015. Collection method: clinical testing. Allele origin: germline.